The following is an entry in ClinVar:

ClinVar aggregate classification (germline): Uncertain significance (1 of 4 stars; one submission).

Submission:

Labcorp Genetics (formerly Invitae), Labcorp
Classification: Uncertain significance. Last evaluated: 2022-07-21. Review status: criteria provided, single submitter. Criteria: Invitae Variant Classification Sherloc (09022015). Collection method: clinical testing. Allele origin: germline.
Comment: This sequence change replaces leucine, which is neutral and non-polar, with arginine, which is basic and polar, at codon 1820 of the LCT protein (p.Leu1820Arg). In summary, the available evidence is currently insufficient to determine the role of this variant in disease. Therefore, it has been classified as a Variant of Uncertain Significance. Algorithms developed to predict the effect of sequence changes on RNA splicing suggest that this variant may disrupt the consensus splice site. Algorithms developed to predict the effect of missense changes on protein structure and function are either unavailable or do not agree on the potential impact of this missense change (SIFT: "Not Available"; PolyPhen-2: "Benign"; Align-GVGD: "Not Available"). This variant has not been reported in the literature in individuals affected with LCT-related conditions. This variant is not present in population databases (gnomAD no frequency).

NM_002299.4(LCT):c.5459T>G (p.Leu1820Arg)

Gene: LCT (lactase; minus strand). Cytogenetic location: 2q21.3.
Variant type: single nucleotide variant.
Coding change: c.5459T>G on transcript NM_002299.4 (MANE Select); coding-DNA position 5459, T replaced by G.
Protein change: p.Leu1820Arg; replaces leucine 1820 with arginine.
Molecular consequence: missense variant.
Genome position (GRCh38, 1-based): chr2:135,789,675, A>C on the plus strand (T>G on the coding strand, the complement: LCT is on the minus strand). VCF-style: chr2-135789675-A-C. GRCh37 (hg19) VCF-style: chr2-136547245-A-C.
Other names: short protein forms L1820R.
Identifiers: ClinVar variation 1719517 (VCV001719517.5), dbSNP rs2467479393, ClinGen allele CA348586430.